The following is an entry in ClinVar:

NM_001253697.2(ERBIN):c.2732T>G (p.Val911Gly)

Gene: ERBIN (erbb2 interacting protein; plus strand). Cytogenetic location: 5q12.3.
Variant type: single nucleotide variant.
Coding change: c.2732T>G on transcript NM_001253697.2 (MANE Select); coding-DNA position 2732, T replaced by G.
Protein change: p.Val911Gly; replaces valine 911 with glycine.
Molecular consequence: missense variant.
Genome position (GRCh38, 1-based): chr5:66,054,050, T>G. VCF-style: chr5-66054050-T-G. GRCh37 (hg19) VCF-style: chr5-65349878-T-G.
Other names: c.2732T>G, p.Val911Gly (NM_001006600.3, NM_001253698.2, NM_001253699.2 and 1 more transcripts); c.2720T>G, p.Val907Gly (NM_001253701.2); short protein forms V907G, V911G.
Identifiers: ClinVar variation 1995882 (VCV001995882.4), dbSNP rs2546812909, ClinGen allele CA359867514.
Genomic context (GRCh38, chr5:66,054,050, plus strand): 5'-GACCTCAGCAGCCAAGTACAACCGTTAAAATCACATCTGCTGTTGATGGAAAAAATATAG[T>G]CAGGAGCAAGTCTGCCACACTGTTGTATGATCAACCATTGCAGGTATTTACTGGTTCTTC-3'
Protein context (NP_001240626.1, residues 901-921): ITSAVDGKNI[Val911Gly]RSKSATLLYD

ClinVar aggregate classification (germline): Uncertain significance (1 of 4 stars; one submission).

Allele frequency attached by ClinVar (database versions not stated): gnomAD exomes below 0.00001.
gnomAD v4.1: 2 of 1,614,154 alleles (0.00012%); highest among the groups gnomAD compares: Non-Finnish European, 0.00017%; no homozygotes.

Submission:

Labcorp Genetics (formerly Invitae), Labcorp
Classification: Uncertain significance. Last evaluated: 2022-05-18. Review status: criteria provided, single submitter. Criteria: Invitae Variant Classification Sherloc (09022015). Collection method: clinical testing. Allele origin: germline.
Comment: This sequence change replaces valine, which is neutral and non-polar, with glycine, which is neutral and non-polar, at codon 911 of the ERBIN protein (p.Val911Gly). This variant is not present in population databases (gnomAD no frequency). This variant has not been reported in the literature in individuals affected with ERBIN-related conditions. Algorithms developed to predict the effect of missense changes on protein structure and function are either unavailable or do not agree on the potential impact of this missense change (SIFT: "Deleterious"; PolyPhen-2: "Probably Damaging"; Align-GVGD: "Class C0"). In summary, the available evidence is currently insufficient to determine the role of this variant in disease. Therefore, it has been classified as a Variant of Uncertain Significance.